The following is an entry in ClinVar:

NM_000548.5(TSC2):c.2992G>C (p.Ala998Pro)

Gene: TSC2 (TSC complex subunit 2; plus strand). Cytogenetic location: 16p13.3.
Variant type: single nucleotide variant.
Coding change: c.2992G>C on transcript NM_000548.5 (MANE Select); coding-DNA position 2992, G replaced by C.
Protein change: p.Ala998Pro; replaces alanine 998 with proline.
Molecular consequence: missense variant.
Genome position (GRCh38, 1-based): chr16:2,079,057, G>C. VCF-style: chr16-2079057-G-C. GRCh37 (hg19) VCF-style: chr16-2129058-G-C.
Other names: c.2860G>C, p.Ala954Pro (NM_001077183.3, NM_001370404.1); c.2992G>C, p.Ala998Pro (NM_001114382.3); c.2752G>C, p.Ala918Pro (NM_001318827.2); c.2716G>C, p.Ala906Pro (NM_001318829.2); c.2260G>C, p.Ala754Pro (NM_001318831.2); c.2893G>C, p.Ala965Pro (NM_001318832.2); c.2863G>C, p.Ala955Pro (NM_001363528.2, NM_001370405.1, NM_021055.3); short protein forms A754P, A906P, A918P, A954P, A955P, A965P, A998P.
Identifiers: ClinVar variation 1003894 (VCV001003894.9), dbSNP rs1440361406, ClinGen allele CA394283689.
Genomic context (GRCh38, chr16:2,079,057, plus strand): 5'-GGCACCCTGACCCTGGTCACGGCCTCTCCCTCCAGCAGGATACAGACGTCCCTCACCAGT[G>C]CCAGCTTGGGGTCTGCAGATGAGAACTCCGTGGCCCAGGCTGACGATAGCCTGAAAAACC-3'
Protein context (NP_000539.2, residues 988-1008): RSRIQTSLTS[Ala998Pro]SLGSADENSV

ClinVar aggregate classification (germline): Uncertain significance. Review status: criteria provided, multiple submitters, no conflicts (2 of 4 stars). 2 submissions from 2 submitters: Uncertain significance (2). Last evaluated 2025-01-12.

Conditions:
Isolated focal cortical dysplasia type II (FCORD2). Also called: Focal cortical dysplasia type II; CORTICAL DYSPLASIA OF TAYLOR. Identifiers: Orphanet 268994, MedGen C1846385, MONDO:0011818, OMIM 607341, HP:0032051.
Tuberous sclerosis 2 (TSC2). Identifiers: Orphanet 805, MedGen C1860707, MONDO:0013199, OMIM 613254.

Submissions (2):

Labcorp Genetics (formerly Invitae), Labcorp
Classification: Uncertain significance for Tuberous sclerosis 2. Last evaluated: 2025-01-12. Review status: criteria provided, single submitter. Criteria: Invitae Variant Classification Sherloc (09022015). Collection method: clinical testing. Allele origin: germline.
Comment: This sequence change replaces alanine, which is neutral and non-polar, with proline, which is neutral and non-polar, at codon 998 of the TSC2 protein (p.Ala998Pro). This variant is not present in population databases (gnomAD no frequency). This variant has not been reported in the literature in individuals affected with TSC2-related conditions. ClinVar contains an entry for this variant (Variation ID: 1003894). Invitae Evidence Modeling of protein sequence and biophysical properties (such as structural, functional, and spatial information, amino acid conservation, physicochemical variation, residue mobility, and thermodynamic stability) indicates that this missense variant is not expected to disrupt TSC2 protein function with a negative predictive value of 95%. In summary, the available evidence is currently insufficient to determine the role of this variant in disease. Therefore, it has been classified as a Variant of Uncertain Significance.

Baylor Genetics
Classification: Uncertain significance for Isolated focal cortical dysplasia type II. Last evaluated: 2023-10-27. Review status: criteria provided, single submitter. Criteria: ACMG Guidelines, 2015. Collection method: clinical testing. Allele origin: unknown.